The following is an entry in ClinVar:

ClinVar aggregate classification (germline): Pathogenic. Review status: criteria provided, multiple submitters, no conflicts (2 of 4 stars). 3 submissions from 3 submitters: Pathogenic (3). Last evaluated 2022-06-20.

Conditions:
Early-infantile DEE. Also called: Ohtahara syndrome; Early infantile epileptic encephalopathy; Early infantile epileptic encephalopathy with suppression bursts. Identifiers: Orphanet 1934, MedGen C0393706, MONDO:0800491.
Severe myoclonic epilepsy in infancy (DRVT). Also called: DEVELOPMENTAL AND EPILEPTIC ENCEPHALOPATHY 6A; Severe Myoclonic Epilepsy in Infancy (SMEI); Epileptic encephalopathy, early infantile, 6 (Dravet syndrome); SEVERE MYOCLONIC EPILEPSY OF INFANCY; Dravet syndrome. Identifiers: Orphanet 33069, MedGen C0751122, MONDO:0100135, OMIM 607208.

Submissions (3):

Labcorp Genetics (formerly Invitae), Labcorp
Classification: Pathogenic for Early-infantile DEE. Last evaluated: 2022-06-20. Review status: criteria provided, single submitter. Criteria: Invitae Variant Classification Sherloc (09022015). Collection method: clinical testing. Allele origin: germline.
Comment: ClinVar contains an entry for this variant (Variation ID: 206829). This variant is also known as IVS23+1A>G. This variant has been observed in individual(s) with clinical features of SCN1A-related conditions (PMID: 21248271, 23195492, 29655203, 33278787; Invitae). In at least one individual the variant was observed to be de novo. This variant is not present in population databases (gnomAD no frequency). This sequence change falls in intron 23 of the SCN1A gene. It does not directly change the encoded amino acid sequence of the SCN1A protein. It affects a nucleotide within the consensus splice site. For these reasons, this variant has been classified as Pathogenic. Variants that disrupt the consensus splice site are a relatively common cause of aberrant splicing (PMID: 17576681, 9536098). Algorithms developed to predict the effect of sequence changes on RNA splicing suggest that this variant may create or strengthen a splice site.

GeneDx
Classification: Pathogenic. Last evaluated: 2014-06-04. Review status: criteria provided, single submitter. Criteria: GeneDx Variant Classification (06012015). Collection method: clinical testing. Allele origin: germline. Affected: yes.
Comment: c.4476+1 A>G: IVS23+1 A>G in intron 23 of the SCN1A gene (NM_001165963.1) The c.4476+1 A>G splice site mutation in the SCN1A gene has been reported previously in two individuals with classic Dravet syndrome (Zuberi et al., 2011), and as a de novo mutation in an individual with severe myoclonic epilepsy of infancy (Wang et al., 2012). This mutation destroys the canonical splice donor site in intron 23, and is expected to cause abnormal gene splicing. The variant is found in EPILEPSY panel(s).

Athena Diagnostics
Classification: Pathogenic for Severe myoclonic epilepsy in infancy. Last evaluated: 2013-10-16. Review status: criteria provided, single submitter. Criteria: Athena Diagnostics Criteria. Collection method: clinical testing. Allele origin: germline. Inheritance: Autosomal dominant inheritance.

Literature cited by the submitters: PubMed 21248271 (cited by Labcorp Genetics (formerly Invitae), Labcorp and Athena Diagnostics); PubMed 23195492 (cited by Labcorp Genetics (formerly Invitae), Labcorp and Athena Diagnostics); PubMed 29655203 (cited by Labcorp Genetics (formerly Invitae), Labcorp); PubMed 33278787 (cited by Labcorp Genetics (formerly Invitae), Labcorp); PubMed 17576681 (cited by Labcorp Genetics (formerly Invitae), Labcorp); PubMed 9536098 (cited by Labcorp Genetics (formerly Invitae), Labcorp).

NM_001165963.4(SCN1A):c.4476+1A>G

Genes: SCN1A (sodium voltage-gated channel alpha subunit 1; minus strand), LOC102724058 (uncharacterized LOC102724058; plus strand). Cytogenetic location: 2q24.3.
Variant type: single nucleotide variant.
Coding change: c.4476+1A>G on transcript NM_001165963.4 (MANE Select); the canonical splice donor site of the intron after coding-DNA position 4476, A replaced by G.
Molecular consequence: splice donor variant.
Genome position (GRCh38, 1-based): chr2:165,998,037, T>C on the plus strand (A>G on the coding strand, the complement: SCN1A is on the minus strand). VCF-style: chr2-165998037-T-C. GRCh37 (hg19) VCF-style: chr2-166854547-T-C.
Other names: c.4443+1A>G (NM_001353949.2, NM_001353950.2, NM_001353951.2 and 2 more transcripts); c.4392+1A>G (NM_001353958.2, NM_001353957.2, NM_001165964.3); c.4476+1A>G (NM_001202435.3, NM_001353948.2, AB093548.1); c.4440+1A>G (NM_001353955.2, NM_001353954.2); c.4389+1A>G (NM_001353960.2); c.2034+1A>G (NM_001353961.2).
Identifiers: ClinVar variation 206829 (VCV000206829.11), dbSNP rs796053014, ClinGen allele CA317467.